The following is an entry in ClinVar:

ClinVar aggregate classification (germline): Uncertain significance (1 of 4 stars; one submission).

Conditions:
Long QT syndrome (LQTS). Identifiers: MedGen C0023976, MeSH D008133, MONDO:0002442. Disease mechanism: loss of function. Inheritance: Various modes of inheritance.

Submission:

Labcorp Genetics (formerly Invitae), Labcorp
Classification: Uncertain significance for Long QT syndrome. Last evaluated: 2018-11-27. Review status: criteria provided, single submitter. Criteria: Invitae Variant Classification Sherloc (09022015). Collection method: clinical testing. Allele origin: germline.
Comment: In summary, the available evidence is currently insufficient to determine the role of this variant in disease. Therefore, it has been classified as a Variant of Uncertain Significance. This variant has been reported to affect KCNQ1 protein function (PMID: 29532034). This variant, c.495_497delGTT, results in the deletion of 1 amino acid(s) of the KCNQ1 protein (p.Phe167del), but otherwise preserves the integrity of the reading frame. This variant is not present in population databases (ExAC no frequency).

Literature cited by the submitters: PubMed 29532034.

NM_000218.3(KCNQ1):c.495_497del (p.Phe167del)

Gene: KCNQ1 (potassium voltage-gated channel subfamily Q member 1; plus strand). Cytogenetic location: 11p15.5.
Variant type: Deletion.
Coding change: c.495_497del on transcript NM_000218.3 (MANE Select); coding-DNA positions 495 to 497, 3 bases deleted (GTT; older notation c.495_497delGTT).
Protein change: p.Phe167del; deletes phenylalanine 167.
Molecular consequence: inframe deletion. On other transcripts: inframe indel (3).
Genome position (GRCh38, 1-based): chr11:2,570,645-2,570,647, GTT deleted; deleting any 3 consecutive bases within chr11:2,570,644-2,570,647 gives the same sequence; the c. name uses the placement nearest the transcript's 3' end. VCF-style (leftmost placement, unchanged base first): chr11-2570643-GTGT-G. GRCh37 (hg19) VCF-style: chr11-2591873-GTGT-G.
Other names: c.495_497delGTT, p.Phe167del (NM_001406836.1); c.225_227delGTT, p.Phe77del (NM_001406837.1); c.114_116delGTT, p.Phe40del (NM_181798.2); short protein forms F40del, F167del, F77del.
Identifiers: ClinVar variation 654129 (VCV000654129.11), dbSNP rs1589956533, ClinGen allele CA915947932.